The following is an entry in ClinVar:

ClinVar aggregate classification (germline): Uncertain significance (1 of 4 stars; one submission).

gnomAD v4.1: 3 of 1,613,650 alleles (0.00019%); highest among the groups gnomAD compares: African/African-American, 0.0013%; no homozygotes.

Submission:

Labcorp Genetics (formerly Invitae), Labcorp
Classification: Uncertain significance. Last evaluated: 2025-09-13. Review status: criteria provided, single submitter. Criteria: Invitae Variant Classification Sherloc (09022015). Collection method: clinical testing. Allele origin: germline.
Comment: This sequence change replaces isoleucine, which is neutral and non-polar, with valine, which is neutral and non-polar, at codon 204 of the CARD8 protein (p.Ile204Val). This variant is present in population databases (rs370242064, gnomAD 0.007%). This variant has not been reported in the literature in individuals affected with CARD8-related conditions. An algorithm developed to predict the effect of missense changes on protein structure and function outputs the following: PolyPhen-2: "Benign". The valine amino acid residue is found in multiple mammalian species, which suggests that this missense change does not adversely affect protein function. In summary, the available evidence is currently insufficient to determine the role of this variant in disease. Therefore, it has been classified as a Variant of Uncertain Significance.

NM_001184900.3(CARD8):c.760A>G (p.Ile254Val)

Gene: CARD8 (caspase recruitment domain family member 8; minus strand). Cytogenetic location: 19q13.33.
Variant type: single nucleotide variant.
Coding change: c.760A>G on transcript NM_001184900.3 (MANE Select); coding-DNA position 760, A replaced by G.
Protein change: p.Ile254Val; replaces isoleucine 254 with valine.
Molecular consequence: missense variant. On other transcripts: non-coding transcript variant (4).
Genome position (GRCh38, 1-based): chr19:48,230,789, T>C on the plus strand (A>G on the coding strand, the complement: CARD8 is on the minus strand). VCF-style: chr19-48230789-T-C. GRCh37 (hg19) VCF-style: chr19-48734046-T-C.
Other names: c.610A>G, p.Ile204Val (NM_001184901.1, NM_001351783.2, NM_001351788.2 and 2 more transcripts); c.760A>G, p.Ile254Val (NM_001184902.2, NM_001184903.1, NM_001351782.2); c.445A>G, p.Ile149Val (NM_001351784.2, NM_001351787.2, NM_001351791.2 and 2 more transcripts); c.424A>G, p.Ile142Val (NM_001351786.2); c.517A>G, p.Ile173Val (NM_001351790.2); short protein forms I149V, I254V, I142V, I173V, I204V.
Identifiers: ClinVar variation 4775434 (VCV004775434.1).